The following is an entry in ClinVar:

ClinVar aggregate classification (germline): Uncertain significance (1 of 4 stars; one submission).

Conditions:
Intellectual developmental disorder with language impairment and early-onset DOPA-responsive dystonia-parkinsonism (IDLDP). Identifiers: Orphanet 660017, MedGen C5677001, MONDO:0859257, OMIM 619911.

Submission:

Dasa
Classification: Uncertain significance for Intellectual developmental disorder with language impairment and early-onset DOPA-responsive dystonia-parkinsonism. Last evaluated: 2026-04-09. Review status: criteria provided, single submitter. Criteria: DASA Assertion Criteria. Collection method: clinical testing. Allele origin: germline.
Comment: NM_006186.4(NR4A2):c.1308C>A (p.Asp436Glu) is a missense variant that results in the substitution of aspartic acid with glutamic acid. This variant is rare in population databases. The currently available literature and clinical evidence are not sufficient to establish a definitive association between this variant and the reported condition. Therefore, this variant is classified as a variant of uncertain significance.

NM_006186.4(NR4A2):c.1308C>A (p.Asp436Glu)

Gene: NR4A2 (nuclear receptor subfamily 4 group A member 2; minus strand). Cytogenetic location: 2q24.1.
Variant type: single nucleotide variant.
Coding change: c.1308C>A on transcript NM_006186.4 (MANE Select); coding-DNA position 1308, C replaced by A.
Protein change: p.Asp436Glu; replaces aspartic acid 436 with glutamic acid.
Molecular consequence: missense variant.
Genome position (GRCh38, 1-based): chr2:156,326,771, G>T on the plus strand (C>A on the coding strand, the complement: NR4A2 is on the minus strand). VCF-style: chr2-156326771-G-T. GRCh37 (hg19) VCF-style: chr2-157183283-G-T.
Other names: c.1119C>A, p.Asp373Glu (NM_173173.3); short protein forms D373E, D436E.
Identifiers: ClinVar variation 4882042 (VCV004882042.2).